The following is an entry in ClinVar:

ClinVar aggregate classification (germline): Likely benign (1 of 4 stars; one submission).

Conditions:
Autosomal recessive congenital ichthyosis 3 (ARCI3). Also called: ICHTHYOSIS, LAMELLAR, 5. Identifiers: MedGen C3539888, MONDO:0011680, OMIM 606545.

Allele frequency attached by ClinVar (database versions not stated): gnomAD exomes 0.00099; 1000 Genomes Project 30x 0.00390; 1000 Genomes Project 0.00399; gnomAD 0.00665 and 0.00699; TOPMed 0.00718.
gnomAD v4.1: 1,665 of 783,970 alleles (0.21%); highest among the groups gnomAD compares: African/African-American, 2.2%; 17 homozygotes.

Submission:

Illumina Laboratory Services, Illumina
Classification: Likely benign for Autosomal recessive congenital ichthyosis 3. Last evaluated: 2018-01-12. Review status: criteria provided, single submitter. Criteria: ICSL Variant Classification Criteria 13 December 2019. Collection method: clinical testing. Allele origin: germline.
Comment: This variant was observed in the ICSL laboratory as part of a predisposition screen in an ostensibly healthy population. It had not been previously curated by ICSL or reported in the Human Gene Mutation Database (HGMD: prior to June 1st, 2018), and was therefore a candidate for classification through an automated scoring system. Utilizing variant allele frequency, disease prevalence and penetrance estimates, and inheritance mode, an automated score was calculated to assess if this variant is too frequent to cause the disease. Based on the score and internal cut-off values, a variant classified as likely benign is not then subjected to further curation. The score for this variant resulted in a classification of likely benign for this disease.

NM_021628.3(ALOXE3):c.*87C>T

Gene: ALOXE3 (arachidonate epidermal lipoxygenase 3; minus strand). Cytogenetic location: 17p13.1.
Variant type: single nucleotide variant.
Coding change: c.*87C>T on transcript NM_021628.3 (MANE Select); 87 bases downstream of the stop codon, C replaced by T.
Molecular consequence: 3 prime UTR variant.
Genome position (GRCh38, 1-based): chr17:8,096,540, G>A on the plus strand (C>T on the coding strand, the complement: ALOXE3 is on the minus strand). VCF-style: chr17-8096540-G-A. GRCh37 (hg19) VCF-style: chr17-7999858-G-A.
Other names: c.*87C>T (NM_001165960.1, NM_001369446.1).
Identifiers: ClinVar variation 325953 (VCV000325953.5), dbSNP rs75448808, ClinGen allele CA10650448.
Genomic context (GRCh38, chr17:8,096,540, plus strand): 5'-CCATCTTGGCTGCAAAAGTCTCCATGTGCAGAAGAGAAGGTTCAGGTGAACTGAGAACAG[G>A]GAGGATGGAAGGGTCTGGAGGACCTGAGGAACTGGTCCTCCTCATGCTTGGACCTTTCTT-3'